The following is an entry in ClinVar:

NM_032444.4(SLX4):c.4552G>A (p.Glu1518Lys)

Gene: SLX4 (SLX4 structure-specific endonuclease subunit; minus strand). Cytogenetic location: 16p13.3.
Variant type: single nucleotide variant.
Coding change: c.4552G>A on transcript NM_032444.4 (MANE Select); coding-DNA position 4552, G replaced by A.
Protein change: p.Glu1518Lys; replaces glutamic acid 1518 with lysine.
Molecular consequence: missense variant.
Genome position (GRCh38, 1-based): chr16:3,589,086, C>T on the plus strand (G>A on the coding strand, the complement: SLX4 is on the minus strand). VCF-style: chr16-3589086-C-T. GRCh37 (hg19) VCF-style: chr16-3639087-C-T.
Other names: short protein forms E1518K.
Identifiers: ClinVar variation 1414368 (VCV001414368.6), dbSNP rs760096901, ClinGen allele CA7865603.

ClinVar aggregate classification (germline): Uncertain significance (1 of 4 stars; one submission).

Conditions:
Fanconi anemia (FA). Also called: Fanconi's anemia. Identifiers: Orphanet 84, MedGen C0015625, MeSH D005199, MONDO:0019391.

Allele frequency attached by ClinVar (database versions not stated): TOPMed below 0.00001; ExAC 0.00001; gnomAD 0.00001; gnomAD exomes 0.00001.
gnomAD v4.1: 8 of 1,614,002 alleles (0.0005%); highest among the groups gnomAD compares: East Asian, 0.018%; no homozygotes.

Submission:

Labcorp Genetics (formerly Invitae), Labcorp
Classification: Uncertain significance for Fanconi anemia. Last evaluated: 2025-01-23. Review status: criteria provided, single submitter. Criteria: Invitae Variant Classification Sherloc (09022015). Collection method: clinical testing. Allele origin: germline.
Comment: This sequence change replaces glutamic acid, which is acidic and polar, with lysine, which is basic and polar, at codon 1518 of the SLX4 protein (p.Glu1518Lys). This variant is present in population databases (rs760096901, gnomAD 0.02%). This variant has not been reported in the literature in individuals affected with SLX4-related conditions. ClinVar contains an entry for this variant (Variation ID: 1414368). An algorithm developed to predict the effect of missense changes on protein structure and function (PolyPhen-2) suggests that this variant is likely to be disruptive. In summary, the available evidence is currently insufficient to determine the role of this variant in disease. Therefore, it has been classified as a Variant of Uncertain Significance.